The following is an entry in ClinVar:

ClinVar aggregate classification (germline): Uncertain significance. Review status: criteria provided, multiple submitters, no conflicts (2 of 4 stars). 3 submissions from 3 submitters: Uncertain significance (3). Last evaluated 2025-02-25.

Conditions:
Carney-Stratakis syndrome. Also called: PARAGANGLIOMA AND GASTROINTESTINAL STROMAL TUMOR. Identifiers: Orphanet 97286, MedGen C1847319, MONDO:0011740, OMIM 606864.
Pheochromocytoma. Also called: MAX-Related Hereditary Paraganglioma-Pheochromocytoma Syndrome. Identifiers: Orphanet 29072, MedGen C0031511, MONDO:0008233, OMIM 171300, HP:0002666.
Paragangliomas with sensorineural hearing loss. Identifiers: MedGen C1868633.
Cowden syndrome 3 (CWS3). Identifiers: Orphanet 201, MedGen CN166604, MONDO:0014045.
Hereditary cancer-predisposing syndrome. Also called: Hereditary neoplastic syndrome; Neoplastic Syndromes, Hereditary; Tumor predisposition; Hereditary Cancer Syndrome. Identifiers: Orphanet 140162, MedGen C0027672, MeSH D009386, MONDO:0015356.

Allele frequency attached by ClinVar (database versions not stated): gnomAD exomes 0.00001; ExAC 0.00002; 1000 Genomes Project 0.00020; 1000 Genomes Project 30x 0.00031.
gnomAD v4.1: 4 of 1,613,726 alleles (0.00025%); highest among the groups gnomAD compares: South Asian, 0.0033%; no homozygotes.

Submissions (3):

Labcorp Genetics (formerly Invitae), Labcorp
Classification: Uncertain significance for Carney-Stratakis syndrome; Paragangliomas with sensorineural hearing loss; Pheochromocytoma; Cowden syndrome 3. Last evaluated: 2025-02-25. Review status: criteria provided, single submitter. Criteria: Invitae Variant Classification Sherloc (09022015). Collection method: clinical testing. Allele origin: germline.
Comment: This sequence change replaces proline, which is neutral and non-polar, with serine, which is neutral and polar, at codon 28 of the SDHD protein (p.Pro28Ser). This variant is present in population databases (rs541477171, gnomAD 0.006%). This variant has not been reported in the literature in individuals affected with SDHD-related conditions. ClinVar contains an entry for this variant (Variation ID: 939509). Invitae Evidence Modeling of protein sequence and biophysical properties (such as structural, functional, and spatial information, amino acid conservation, physicochemical variation, residue mobility, and thermodynamic stability) indicates that this missense variant is not expected to disrupt SDHD protein function with a negative predictive value of 80%. In summary, the available evidence is currently insufficient to determine the role of this variant in disease. Therefore, it has been classified as a Variant of Uncertain Significance.

Quest Diagnostics Nichols Institute San Juan Capistrano
Classification: Uncertain significance. Last evaluated: 2024-09-09. Review status: criteria provided, single submitter. Criteria: Quest Diagnostics criteria. Collection method: clinical testing. Allele origin: unknown.
Comment: The SDHD c.82C>T (p.Pro28Ser) variant has not been reported in individuals with SDHD-related conditions in the published literature. The frequency of this variant in the general population, 0.000012 (3/251476 chromosomes (Genome Aggregation Database)), is uninformative in the assessment of its pathogenicity. Analysis of this variant using bioinformatics tools for the prediction of the effect of amino acid changes on protein structure and function yielded predictions that this variant is benign. Based on the available information, we are unable to determine the clinical significance of this variant.

Ambry Genetics
Classification: Uncertain significance for Hereditary cancer-predisposing syndrome. Last evaluated: 2022-05-11. Review status: criteria provided, single submitter. Criteria: Ambry Variant Classification Scheme 2023. Collection method: clinical testing. Allele origin: germline.
Comment: The p.P28S variant (also known as c.82C>T), located in coding exon 2 of the SDHD gene, results from a C to T substitution at nucleotide position 82. The proline at codon 28 is replaced by serine, an amino acid with similar properties. This amino acid position is conserved. In addition, the in silico prediction for this alteration is inconclusive. Since supporting evidence is limited at this time, the clinical significance of this alteration remains unclear.

NM_003002.4(SDHD):c.82C>T (p.Pro28Ser)

Gene: SDHD (succinate dehydrogenase complex subunit D; plus strand). Cytogenetic location: 11q23.1.
Variant type: single nucleotide variant.
Coding change: c.82C>T on transcript NM_003002.4 (MANE Select); coding-DNA position 82, C replaced by T.
Protein change: p.Pro28Ser; replaces proline 28 with serine.
Molecular consequence: missense variant. On other transcripts: non-coding transcript variant (1), intron variant (1).
Genome position (GRCh38, 1-based): chr11:112,087,886, C>T. VCF-style: chr11-112087886-C-T. GRCh37 (hg19) VCF-style: chr11-111958610-C-T.
Other names: c.82C>T, p.Pro28Ser (NM_001276503.2, NM_001276506.2); c.52+927C>T (NM_001276504.2); short protein forms P28S.
Identifiers: ClinVar variation 939509 (VCV000939509.11), dbSNP rs541477171, ClinGen allele CA071562.